The following is an entry in ClinVar:

NM_001009944.3(PKD1):c.10223T>C (p.Leu3408Pro)

Gene: PKD1 (polycystin 1, transient receptor potential channel interacting; minus strand). Cytogenetic location: 16p13.3.
Variant type: single nucleotide variant.
Coding change: c.10223T>C on transcript NM_001009944.3 (MANE Select); coding-DNA position 10223, T replaced by C.
Protein change: p.Leu3408Pro; replaces leucine 3408 with proline.
Molecular consequence: missense variant.
Genome position (GRCh38, 1-based): chr16:2,097,501, A>G on the plus strand (T>C on the coding strand, the complement: PKD1 is on the minus strand). VCF-style: chr16-2097501-A-G. GRCh37 (hg19) VCF-style: chr16-2147502-A-G.
Other names: c.10220T>C, p.Leu3407Pro (NM_000296.4); short protein forms L3407P, L3408P.
Identifiers: ClinVar variation 4987483 (VCV004987483.1).
Genomic context (GRCh38, chr16:2,097,501, plus strand): 5'-GACGGGTCACTGAGCAGGTCCGGCCAACTGAGCGTTCCCTCGCCGGAGGGCCAGCACACC[A>G]GACTGCAGGTGGCGCGGGTCAGCAAGGTACCAGGGGATGTGTCACACACACAGCCCACCC-3'
Protein context (NP_001009944.3, residues 3398-3418): SDLFLDDSKS[Leu3408Pro]VCWPSGEGTL

ClinVar aggregate classification (germline): Uncertain significance (1 of 4 stars; one submission).

Conditions:
PKD1-related disorder. Also called: PKD1-related condition.

gnomAD v4.1: 2 of 1,601,876 alleles (0.00012%); highest among the groups gnomAD compares: African/African-American, 0.0013%; no homozygotes.

Submission:

PreventionGenetics, part of Exact Sciences
Classification: Uncertain significance for PKD1-related condition. Last evaluated: 2026-04-05. Review status: criteria provided, single submitter. Criteria: ACMG Guidelines, 2015. Collection method: clinical testing. Allele origin: germline.
Comment: The PKD1 c.10223T>C variant is predicted to result in the amino acid substitution p.Leu3408Pro. To our knowledge, this variant has not been reported in the literature. This variant is reported in 0.0033% of alleles in individuals of South Asian descent in gnomAD. At this time, the clinical significance of this variant is uncertain due to the absence of conclusive functional and genetic evidence.